The following is an entry in ClinVar:

ClinVar aggregate classification (germline): Uncertain significance. Review status: criteria provided, multiple submitters, no conflicts (2 of 4 stars). 3 submissions from 3 submitters: Uncertain significance (2). 1 of the submissions does not count toward it. Last evaluated 2026-04-29.

Conditions:
USH2A-related disorder. Also called: USH2A-related condition; USH2A-related disorders. Identifiers: MedGen CN239332.
Retinal dystrophy. Also called: Inherited retinal dystrophy. Identifiers: Orphanet 71862, MedGen C0854723, MeSH D058499, MONDO:0019118, HP:0000556.

Allele frequency attached by ClinVar (database versions not stated): TOPMed below 0.00001.
gnomAD v4.1: 6 of 1,613,958 alleles (0.00037%); highest among the groups gnomAD compares: Admixed American, 0.0017%; no homozygotes.

Submissions (3):

Myriad Genetics, Inc.
Classification: Uncertain significance for USH2A-related disorder. Last evaluated: 2026-04-29. Review status: criteria provided, single submitter. Criteria: Myriad Autosomal Dominant, Autosomal Recessive and X-Linked Classification Criteria (2023). Collection method: clinical testing. Allele origin: unknown.
Comment: NM_206933.2(USH2A):c.2992A>G(R998G) is a missense variant classified as a variant of uncertain significance in the context of USH2A-related disorders. R998G has been observed in cases with relevant disease (PMID: 39084224, 39462066). Relevant functional assessments of this variant are not available in the literature. R998G has been observed in referenced population frequency databases. In summary, there is insufficient evidence to classify NM_206933.2(USH2A):c.2992A>G(R998G) as pathogenic or benign. Please note: this variant was assessed in the context of healthy population screening.

Eurofins Ntd Llc (ga)
Classification: Uncertain significance. Last evaluated: 2014-11-24. Review status: criteria provided, single submitter. Criteria: EGL Classification Definitions 2015. Collection method: clinical testing. Allele origin: germline. Observed: 2 variant alleles, 2 heterozygotes.

Institute of Human Genetics, Univ. Regensburg, Univ. Regensburg
Classification: Likely pathogenic for Retinal dystrophy. Last evaluated: 2020-01-01. Review status: no assertion criteria provided. Criteria: ACMG Guidelines, 2015. Collection method: clinical testing. Allele origin: germline. Affected: yes. Not counted in ClinVar's aggregate classification.

Literature cited by the submitters: PubMed 39084224 (cited by Myriad Genetics, Inc.); PubMed 39462066 (cited by Myriad Genetics, Inc.).

NM_206933.4(USH2A):c.2992A>G (p.Arg998Gly)

Genes: USH2A (usherin; minus strand), USH2A-AS1 (USH2A antisense RNA 1; plus strand). Cytogenetic location: 1q41.
Variant type: single nucleotide variant.
Coding change: c.2992A>G on transcript NM_206933.4 (MANE Select); coding-DNA position 2992, A replaced by G.
Protein change: p.Arg998Gly; replaces arginine 998 with glycine.
Molecular consequence: missense variant.
Genome position (GRCh38, 1-based): chr1:216,231,954, T>C on the plus strand (A>G on the coding strand, the complement: USH2A is on the minus strand). VCF-style: chr1-216231954-T-C. GRCh37 (hg19) VCF-style: chr1-216405296-T-C.
Other names: c.2992A>G, p.Arg998Gly (NM_007123.6); short protein forms R998G.
Identifiers: ClinVar variation 194448 (VCV000194448.7), dbSNP rs794727135, ClinGen allele CA240405.